The following is an entry in ClinVar:

ClinVar aggregate classification (germline): Uncertain significance. Review status: criteria provided, multiple submitters, no conflicts (2 of 4 stars). 2 submissions from 2 submitters: Uncertain significance (2). Last evaluated 2026-04-02.

Conditions:
Baraitser-winter syndrome 2. Identifiers: Orphanet 2995, MedGen C3281235, MONDO:0013812, OMIM 614583.

Submissions (2):

GeneDx
Classification: Uncertain significance. Last evaluated: 2026-04-02. Review status: criteria provided, single submitter. Criteria: GeneDx Variant Classification Process June 2021. Collection method: clinical testing. Allele origin: germline.
Comment: Not observed at significant frequency in large population cohorts (gnomAD); Missense variants in this gene are a common cause of disease and they are underrepresented in the general population; In silico analysis supports that this missense variant has a deleterious effect on protein structure/function; Has not been previously published as pathogenic or benign to our knowledge

Dasa
Classification: Uncertain significance for Baraitser-winter syndrome 2. Last evaluated: 2026-03-31. Review status: criteria provided, single submitter. Criteria: DASA Assertion Criteria. Collection method: clinical testing. Allele origin: germline.
Comment: NM_001614.5(ACTG1):c.896T>C (p.Leu299Pro) is a missense variant that results in the substitution of leucine with proline. This variant is absent from population databases. Computational prediction algorithms are consistent with a deleterious effect. The currently available literature and clinical evidence are not sufficient to establish a definitive association between this variant and the reported condition. Therefore, this variant is classified as a variant of uncertain significance.

NM_001614.5(ACTG1):c.896T>C (p.Leu299Pro)

Gene: ACTG1 (actin gamma 1; minus strand). Cytogenetic location: 17q25.3.
Variant type: single nucleotide variant.
Coding change: c.896T>C on transcript NM_001614.5 (MANE Select); coding-DNA position 896, T replaced by C.
Protein change: p.Leu299Pro; replaces leucine 299 with proline.
Molecular consequence: missense variant. On other transcripts: non-coding transcript variant (1).
Genome position (GRCh38, 1-based): chr17:81,511,015, A>G on the plus strand (T>C on the coding strand, the complement: ACTG1 is on the minus strand). VCF-style: chr17-81511015-A-G. GRCh37 (hg19) VCF-style: chr17-79478041-A-G.
Other names: c.896T>C, p.Leu299Pro (NM_001199954.3); c.896T>C (NM_001614.3); short protein forms L299P.
Identifiers: ClinVar variation 4883471 (VCV004883471.3).